The following is an entry in ClinVar:

NM_000157.4(GBA1):c.449AAG[1] (p.Glu151del)

Genes: GBA1 (glucosylceramidase beta 1; minus strand), LOC106627981 (GBA recombination region; plus strand). Cytogenetic location: 1q22.
Variant type: Microsatellite.
Coding change: c.449AAG[1] on transcript NM_000157.4 (MANE Select); one copy of the 3-base unit AAG starting at c.449; the reference has two copies in a row; one copy, 3 bases deleted.
Protein change: p.Glu151del; deletes glutamic acid 151.
Molecular consequence: inframe deletion. On other transcripts: intron variant (1).
Genome position (GRCh38, 1-based): chr1:155,239,616-155,239,618, CTT deleted on the plus strand (AAG on the coding strand, the reverse complement: GBA1 is on the minus strand); deleting any 3 consecutive bases within chr1:155,239,616-155,239,622 gives the same sequence; the position shown is the placement nearest the transcript's 3' end. VCF-style (leftmost placement, unchanged base first): chr1-155239615-CCTT-C. GRCh37 (hg19) VCF-style: chr1-155209406-CCTT-C.
Other names: c.449AAG[1], p.Glu151del (NM_001005741.3, NM_001005742.3); c.188AAG[1], p.Glu64del (NM_001171811.2); c.307+268_307+270del (NM_001171812.2); short protein forms E151del, E64del.
Identifiers: ClinVar variation 2504379 (VCV002504379.1), dbSNP rs1557906527, ClinGen allele CA916315667.
Genomic context (GRCh38, chr1:155,239,615, plus strand): 5'-AAAGAAAAGAAAAACGAAAAGTTTCAATGGCTCTATGTCATCTTGTCCCCTTCCTCCTCA[CCTT>C]CTTCAGAGAAGTACGATTTAAGTAGCAAATTTTGGGCAGGGGGTGACAGGGCAAGGATGT-3'

ClinVar aggregate classification (germline): Uncertain significance (1 of 4 stars; one submission).

Submission:

GeneDx
Classification: Uncertain significance. Last evaluated: 2022-12-02. Review status: criteria provided, single submitter. Criteria: GeneDx Variant Classification Process June 2021. Collection method: clinical testing. Allele origin: germline. Affected: yes.
Comment: In-frame deletion of 1 amino acid in a non-repeat region; Not observed at significant frequency in large population cohorts (gnomAD); In silico analysis supports a deleterious effect on protein structure/function; Has not been previously published as pathogenic or benign to our knowledge; Also known as p.(E112del)